The following is an entry in ClinVar:

ClinVar aggregate classification (germline): Likely pathogenic (1 of 4 stars; one submission).

Conditions:
Capillary malformation-arteriovenous malformation 2 (CMAVM2). Identifiers: Orphanet 693912, MedGen C4748670, MONDO:0020785, OMIM 618196.
Lymphatic malformation 7 (LMPHM7). Also called: Hydrops fetalis, nonimmune, and/or atrial septal defect, susceptibility to. Identifiers: MedGen C4310629, MONDO:0015009, OMIM 617300.

Submission:

Juno Genomics, Hangzhou Juno Genomics, Inc
Classification: Likely pathogenic for Capillary malformation-arteriovenous malformation 2; Lymphatic malformation 7. Review status: criteria provided, single submitter. Criteria: ACMG Guidelines, 2015. Collection method: clinical testing. Allele origin: germline.
Comment: Absent from controls (or at extremely low frequency if recessive) in Genome Aggregation Database.;Null variant in a gene where loss of function (LOF) is a known mechanism of disease.

NM_004444.5(EPHB4):c.1161_1162dup (p.Glu388fs)

Gene: EPHB4 (EPH receptor B4; minus strand). Cytogenetic location: 7q22.1.
Variant type: Duplication.
Coding change: c.1161_1162dup on transcript NM_004444.5 (MANE Select); coding-DNA positions 1161 to 1162, 2 bases duplicated (GG; older notation c.1161_1162dupGG).
Protein change: p.Glu388fs; shifts the reading frame from glutamic acid 388.
Molecular consequence: frameshift variant.
Genome position (GRCh38, 1-based): chr7:100,819,692-100,819,693, CC duplicated on the plus strand (GG on the coding strand, the reverse complement: EPHB4 is on the minus strand). VCF-style (leftmost placement, unchanged base first): chr7-100819691-T-TCC. GRCh37 (hg19) VCF-style: chr7-100417313-T-TCC.
Other names: short protein forms E388fs.
Identifiers: ClinVar variation 3382457 (VCV003382457.3).